The following is an entry in ClinVar:

NM_021803.4(IL21):c.438G>T (p.Lys146Asn)

Gene: IL21 (interleukin 21; minus strand). Cytogenetic location: 4q27.
Variant type: single nucleotide variant.
Coding change: c.438G>T on transcript NM_021803.4 (MANE Select); coding-DNA position 438, G replaced by T.
Protein change: p.Lys146Asn; replaces lysine 146 with asparagine.
Molecular consequence: missense variant.
Genome position (GRCh38, 1-based): chr4:122,612,851, C>A on the plus strand (G>T on the coding strand, the complement: IL21 is on the minus strand). VCF-style: chr4-122612851-C-A. GRCh37 (hg19) VCF-style: chr4-123534006-C-A.
Other names: c.438G>T, p.Lys146Asn (NM_001207006.3); short protein forms K146N.
Identifiers: ClinVar variation 1471323 (VCV001471323.8), dbSNP rs2150684838, ClinGen allele CA358220938.

ClinVar aggregate classification (germline): Uncertain significance (1 of 4 stars; one submission).

Submission:

Labcorp Genetics (formerly Invitae), Labcorp
Classification: Uncertain significance. Last evaluated: 2024-02-24. Review status: criteria provided, single submitter. Criteria: Invitae Variant Classification Sherloc (09022015). Collection method: clinical testing. Allele origin: germline.
Comment: This sequence change replaces lysine, which is basic and polar, with asparagine, which is neutral and polar, at codon 146 of the IL21 protein (p.Lys146Asn). This variant also falls at the last nucleotide of exon 4, which is part of the consensus splice site for this exon. This variant is not present in population databases (gnomAD no frequency). This variant has not been reported in the literature in individuals affected with IL21-related conditions. ClinVar contains an entry for this variant (Variation ID: 1471323). An algorithm developed to predict the effect of missense changes on protein structure and function (PolyPhen-2) suggests that this variant is likely to be disruptive. Variants that disrupt the consensus splice site are a relatively common cause of aberrant splicing (PMID: 17576681, 9536098). Algorithms developed to predict the effect of sequence changes on RNA splicing suggest that this variant may disrupt the consensus splice site. In summary, the available evidence is currently insufficient to determine the role of this variant in disease. Therefore, it has been classified as a Variant of Uncertain Significance.

Literature cited by the submitters: PubMed 17576681; PubMed 9536098.